The following is an entry in ClinVar:

NM_004629.2(FANCG):c.1297C>T (p.Arg433Trp)

Gene: FANCG (FA complementation group G; minus strand). Cytogenetic location: 9p13.3.
Variant type: single nucleotide variant.
Coding change: c.1297C>T on transcript NM_004629.2 (MANE Select); coding-DNA position 1297, C replaced by T.
Protein change: p.Arg433Trp; replaces arginine 433 with tryptophan.
Molecular consequence: missense variant.
Genome position (GRCh38, 1-based): chr9:35,075,601, G>A on the plus strand (C>T on the coding strand, the complement: FANCG is on the minus strand). VCF-style: chr9-35075601-G-A. GRCh37 (hg19) VCF-style: chr9-35075598-G-A.
Other names: short protein forms R433W.
Identifiers: ClinVar variation 970675 (VCV000970675.8), dbSNP rs183777537, ClinGen allele CA5039778.

ClinVar aggregate classification (germline): Uncertain significance. Review status: criteria provided, multiple submitters, no conflicts (2 of 4 stars). 3 submissions from 3 submitters: Uncertain significance (2). 1 of the submissions does not count toward it. Last evaluated 2025-04-22.

Conditions:
Fanconi anemia (FA). Also called: Fanconi's anemia. Identifiers: Orphanet 84, MedGen C0015625, MeSH D005199, MONDO:0019391.
Fanconi anemia complementation group G. Also called: Fanconi anemia group G; FANCG-Related Fanconi Anemia. Identifiers: Orphanet 84, MedGen C3469527, MONDO:0013565, OMIM 614082.

Allele frequency attached by ClinVar (database versions not stated): gnomAD exomes 0.00003 and 0.00006; TOPMed 0.00004; ExAC 0.00006; 1000 Genomes Project 0.00020; ESP Exome Variant Server 0.00008; 1000 Genomes Project 30x 0.00031; gnomAD 0.00006.

Submissions (3):

Dasa
Classification: Uncertain significance. Last evaluated: 2025-04-22. Review status: criteria provided, single submitter. Criteria: DASA Assertion Criteria. Collection method: clinical testing. Allele origin: germline.
Comment: NM_004629.2(FANCG):c.1297C>T (p.Arg433Trp) is a missense variant that results in the substitution of arginine with tryptophan. This variant is rare in population databases. Computational prediction algorithms are consistent with a benign effect. The currently available literature and clinical evidence are not sufficient to establish a definitive association between this variant and the reported condition. Therefore, this variant is classified as a variant of uncertain significance.

Labcorp Genetics (formerly Invitae), Labcorp
Classification: Uncertain significance for Fanconi anemia. Last evaluated: 2024-02-15. Review status: criteria provided, single submitter. Criteria: Invitae Variant Classification Sherloc (09022015). Collection method: clinical testing. Allele origin: germline.
Comment: This sequence change replaces arginine, which is basic and polar, with tryptophan, which is neutral and slightly polar, at codon 433 of the FANCG protein (p.Arg433Trp). This variant is present in population databases (rs183777537, gnomAD 0.02%). This variant has not been reported in the literature in individuals affected with FANCG-related conditions. ClinVar contains an entry for this variant (Variation ID: 970675). Advanced modeling of protein sequence and biophysical properties (such as structural, functional, and spatial information, amino acid conservation, physicochemical variation, residue mobility, and thermodynamic stability) performed at Invitae indicates that this missense variant is not expected to disrupt FANCG protein function with a negative predictive value of 80%. In summary, the available evidence is currently insufficient to determine the role of this variant in disease. Therefore, it has been classified as a Variant of Uncertain Significance.

Natera, Inc.
Classification: Uncertain significance for Fanconi anemia group G. Last evaluated: 2020-05-21. Review status: no assertion criteria provided. Collection method: clinical testing. Allele origin: germline. Not counted in ClinVar's aggregate classification.